The following is an entry in ClinVar:

NM_020937.4(FANCM):c.2918A>T (p.Asp973Val)

Gene: FANCM (FA complementation group M; plus strand). Cytogenetic location: 14q21.2.
Variant type: single nucleotide variant.
Coding change: c.2918A>T on transcript NM_020937.4 (MANE Select); coding-DNA position 2918, A replaced by T.
Protein change: p.Asp973Val; replaces aspartic acid 973 with valine.
Molecular consequence: missense variant.
Genome position (GRCh38, 1-based): chr14:45,175,672, A>T. VCF-style: chr14-45175672-A-T. GRCh37 (hg19) VCF-style: chr14-45644875-A-T.
Other names: c.2840A>T, p.Asp947Val (NM_001308133.2); short protein forms D947V, D973V.
Identifiers: ClinVar variation 4871118 (VCV004871118.1).

ClinVar aggregate classification (germline): Uncertain significance (1 of 4 stars; one submission).

Conditions:
Inborn genetic diseases. Identifiers: MedGen C0950123, MeSH D030342.

Submission:

Ambry Genetics
Classification: Uncertain significance for Inborn genetic diseases. Last evaluated: 2026-05-02. Review status: criteria provided, single submitter. Criteria: Ambry Variant Classification Scheme 2023. Collection method: clinical testing. Allele origin: germline.
Comment: The p.D973V variant (also known as c.2918A>T), located in coding exon 14 of the FANCM gene, results from an A to T substitution at nucleotide position 2918. The aspartic acid at codon 973 is replaced by valine, an amino acid with highly dissimilar properties. This amino acid position is conserved. In addition, this alteration is predicted to be tolerated by in silico analysis. Based on the available evidence, the clinical significance of this variant remains unclear.